The following is an entry in ClinVar:

NM_001367561.1(DOCK7):c.191_195delinsA (p.Leu64fs)

Gene: DOCK7 (dedicator of cytokinesis 7; minus strand). Cytogenetic location: 1p31.3.
Variant type: Indel.
Coding change: c.191_195delinsA on transcript NM_001367561.1 (MANE Select); coding-DNA positions 191 to 195, TCATT replaced by A.
Protein change: p.Leu64fs; shifts the reading frame from leucine 64.
Molecular consequence: frameshift variant.
Genome position (GRCh38, 1-based): chr1:62,654,109-62,654,113, AATGA replaced by T on the plus strand (TCATT replaced by A on the coding strand, the reverse complement: DOCK7 is on the minus strand). VCF-style: chr1-62654109-AATGA-T. GRCh37 (hg19) VCF-style: chr1-63119780-AATGA-T.
Other names: c.191_195delinsA, p.Leu64fs (NM_001271999.2, NM_001272000.2, NM_001272001.2 and 3 more transcripts); short protein forms L64fs.
Identifiers: ClinVar variation 567195 (VCV000567195.2), dbSNP rs1557864817, ClinGen allele CA891842446.
Genomic context (GRCh38, chr1:62,654,109, plus strand): 5'-ATCTGGAGGAAATTCAATCAAATCCCGTAAAGGCCCAGAATCCACAGCCAAAGGATGAGT[AATGA>T]GGTAATCTTCCAAATCCACTGGATCTACTGCTTCGGTAAGGGGCACCTTTGTAAAAAGTT-3'

ClinVar aggregate classification (germline): Pathogenic (1 of 4 stars; one submission).

Conditions:
Developmental and epileptic encephalopathy, 23 (DEE23). Also called: Epileptic encephalopathy, early infantile, 23. Identifiers: Orphanet 411986, MedGen C4014492, MONDO:0014371, OMIM 615859.

Submission:

Labcorp Genetics (formerly Invitae), Labcorp
Classification: Pathogenic for Epileptic encephalopathy, early infantile, 23. Last evaluated: 2019-09-03. Review status: criteria provided, single submitter. Criteria: Invitae Variant Classification Sherloc (09022015). Collection method: clinical testing. Allele origin: germline.
Comment: This sequence change creates a premature translational stop signal (p.Leu64Glnfs*15) in the DOCK7 gene. It is expected to result in an absent or disrupted protein product. This variant is not present in population databases (ExAC no frequency). This variant has not been reported in the literature in individuals with DOCK7-related disease. Loss-of-function variants in DOCK7 are known to be pathogenic (PMID: 24814191). For these reasons, this variant has been classified as Pathogenic.